The following is an entry in ClinVar:

ClinVar aggregate classification (germline): Uncertain significance (1 of 4 stars; one submission).

Conditions:
TRPC5-related disorder. Also called: TRPC5-related condition.

Submission:

PreventionGenetics, part of Exact Sciences
Classification: Uncertain significance for TRPC5-related condition. Last evaluated: 2025-07-07. Review status: criteria provided, single submitter. Criteria: ACMG Guidelines, 2015. Collection method: clinical testing. Allele origin: germline.
Comment: The TRPC5 c.61C>A variant is predicted to result in the amino acid substitution p.Gln21Lys. To our knowledge, this variant has not been reported in the literature or in a large population database (gnomAD), indicating this variant is rare. At this time, the clinical significance of this variant is uncertain due to the absence of conclusive functional and genetic evidence.

NM_012471.3(TRPC5):c.61C>A (p.Gln21Lys)

Gene: TRPC5 (transient receptor potential cation channel subfamily C member 5; minus strand). Cytogenetic location: Xq23.
Variant type: single nucleotide variant.
Coding change: c.61C>A on transcript NM_012471.3 (MANE Select); coding-DNA position 61, C replaced by A.
Protein change: p.Gln21Lys; replaces glutamine 21 with lysine.
Molecular consequence: missense variant.
Genome position (GRCh38, 1-based): chrX:111,952,360, G>T on the plus strand (C>A on the coding strand, the complement: TRPC5 is on the minus strand). VCF-style: chrX-111952360-G-T. GRCh37 (hg19) VCF-style: chrX-111195588-G-T.
Other names: short protein forms Q21K.
Identifiers: ClinVar variation 5001292 (VCV005001292.1).